The following is an entry in ClinVar:

Conditions:
Breast-ovarian cancer, familial, susceptibility to, 1 (BROVCA1). Also called: BRCA1 Hereditary Breast and Ovarian Cancer; OVARIAN CANCER, SUSCEPTIBILITY TO. Identifiers: Orphanet 145, MedGen C2676676, MONDO:0011450, OMIM 604370. Disease mechanism: loss of function.

Submission:

Brotman Baty Institute, University of Washington
No classification provided (evidence only). Condition: Breast-ovarian cancer, familial 1. Review status: no classification provided. Collection method: in vitro. Allele origin: not applicable. Functional consequence: functionally_abnormal.
ClinVar note: "not provided" was previously submitted as the classification for the variant. However, the classification appeared to be based only on an observation of functional data so it was converted to no classification on 2025-07-30.

NM_007294.4(BRCA1):c.5348T>A (p.Met1783Lys)

Gene: BRCA1 (BRCA1 DNA repair associated; minus strand). Cytogenetic location: 17q21.31.
Variant type: single nucleotide variant.
Coding change: c.5348T>A on transcript NM_007294.4 (MANE Select); coding-DNA position 5348, T replaced by A.
Protein change: p.Met1783Lys; replaces methionine 1783 with lysine.
Molecular consequence: missense variant. On other transcripts: non-coding transcript variant (1), intron variant (1).
Genome position (GRCh38, 1-based): chr17:43,049,179, A>T on the plus strand (T>A on the coding strand, the complement: BRCA1 is on the minus strand). VCF-style: chr17-43049179-A-T. GRCh37 (hg19) VCF-style: chr17-41201196-A-T.
Other names: c.5135T>A, p.Met1712Lys (NM_001407571.1, NM_001407894.1, NM_001407895.1 and 12 more transcripts); c.5414T>A, p.Met1805Lys (NM_001407581.1, NM_001407582.1); c.5411T>A, p.Met1804Lys (NM_001407583.1, NM_001407585.1, NM_001407587.1 and 1 more transcripts); c.5408T>A, p.Met1803Lys (NM_001407590.1, NM_001407591.1); c.5348T>A, p.Met1783Lys (NM_001407593.1, NM_001407594.1, NM_001407596.1 and 5 more transcripts); c.5345T>A, p.Met1782Lys (NM_001407610.1, NM_001407611.1, NM_001407612.1 and 14 more transcripts); c.5342T>A, p.Met1781Lys (NM_001407631.1, NM_001407632.1, NM_001407633.1 and 13 more transcripts); c.5270T>A, p.Met1757Lys (NM_001407653.1, NM_001407654.1, NM_001407655.1 and 1 more transcripts); and 73 more; short protein forms M1736K, M1804K, M679K, M1783K, M1670K, M1672K, M1693K, M1714K.
Identifiers: ClinVar variation 865643 (VCV000865643.3), dbSNP rs55808233, ClinGen allele CA10590767.